The following is an entry in ClinVar:

ClinVar aggregate classification (germline): Likely benign. Review status: criteria provided, multiple submitters, no conflicts (2 of 4 stars). 5 submissions from 5 submitters: Likely benign (5). Last evaluated 2025-12-20.

Conditions:
Hereditary cancer-predisposing syndrome. Also called: Tumor predisposition; Neoplastic Syndromes, Hereditary; Hereditary Cancer Syndrome; Hereditary neoplastic syndrome. Identifiers: Orphanet 140162, MedGen C0027672, MeSH D009386, MONDO:0015356.
Hereditary breast ovarian cancer syndrome. Also called: Hereditary breast and ovarian cancer; Hereditary breast and ovarian cancer syndrome (HBOC); Hereditary breast and/or ovarian cancer syndrome; Breast and ovarian cancer; Hereditary breast and ovarian cancer syndrome; BRCA1- and BRCA2-Associated Hereditary Breast and Ovarian Cancer. Identifiers: Orphanet 145, MedGen C0677776, MeSH D061325, MONDO:0003582. Disease mechanism: loss of function.
Breast-ovarian cancer, familial, susceptibility to, 2 (BROVCA2). Also called: BRCA2 Hereditary Breast and Ovarian Cancer. Identifiers: Orphanet 145, MedGen C2675520, MONDO:0012933, OMIM 612555. Disease mechanism: loss of function.

Allele frequency attached by ClinVar (database versions not stated): gnomAD exomes below 0.00001; gnomAD 0.00003; TOPMed 0.00006.
gnomAD v4.1: 6 of 1,608,322 alleles (0.00037%); highest among the groups gnomAD compares: African/African-American, 0.008%; no homozygotes.

Submissions (5):

Labcorp Genetics (formerly Invitae), Labcorp
Classification: Likely benign for Hereditary breast ovarian cancer syndrome. Last evaluated: 2025-12-20. Review status: criteria provided, single submitter. Criteria: Invitae Variant Classification Sherloc (09022015). Collection method: clinical testing. Allele origin: germline.

All of Us Research Program, National Institutes of Health
Classification: Likely benign for Breast-ovarian cancer, familial, susceptibility to, 2. Last evaluated: 2023-11-20. Review status: criteria provided, single submitter. Criteria: ACMG Guidelines, 2015. Collection method: clinical testing. Allele origin: germline. Inheritance: Autosomal dominant inheritance. Observed: 2 variant alleles, 2 heterozygotes.
Comment: This study involves interpretation of variants in research participants for the purpose of population health screening. Participant phenotype was not available at the time of variant classification. Additional details can be found in publication PMID: 35346344, PMCID: PMC8962531

Sema4
Classification: Likely benign for Hereditary cancer-predisposing syndrome. Last evaluated: 2022-03-09. Review status: criteria provided, single submitter. Criteria: Sema4 Curation Guidelines. Collection method: curation. Allele origin: germline.

Quest Diagnostics Nichols Institute San Juan Capistrano
Classification: Likely benign. Last evaluated: 2020-07-10. Review status: criteria provided, single submitter. Criteria: Quest Diagnostics criteria. Collection method: clinical testing. Allele origin: unknown.

Ambry Genetics
Classification: Likely benign for Hereditary cancer-predisposing syndrome. Last evaluated: 2015-08-22. Review status: criteria provided, single submitter. Criteria: Ambry Variant Classification Scheme 2023. Collection method: clinical testing. Allele origin: germline.

NM_000059.4(BRCA2):c.3765A>T (p.Val1255=)

Gene: BRCA2 (BRCA2 DNA repair associated; plus strand). Cytogenetic location: 13q13.1.
Variant type: single nucleotide variant.
Coding change: c.3765A>T on transcript NM_000059.4 (MANE Select); coding-DNA position 3765, A replaced by T.
Protein change: p.Val1255=; no amino-acid change (valine 1255 retained).
Molecular consequence: synonymous variant.
Genome position (GRCh38, 1-based): chr13:32,338,120, A>T. VCF-style: chr13-32338120-A-T. GRCh37 (hg19) VCF-style: chr13-32912257-A-T.
Identifiers: ClinVar variation 415698 (VCV000415698.17), dbSNP rs41293483, ClinGen allele CA16613871.